The following is an entry in ClinVar:

ClinVar aggregate classification (germline): Uncertain significance (1 of 4 stars; one submission).

Submission:

Labcorp Genetics (formerly Invitae), Labcorp
Classification: Uncertain significance. Last evaluated: 2022-10-27. Review status: criteria provided, single submitter. Criteria: Invitae Variant Classification Sherloc (09022015). Collection method: clinical testing. Allele origin: germline.
Comment: In summary, the available evidence is currently insufficient to determine the role of this variant in disease. Therefore, it has been classified as a Variant of Uncertain Significance. Algorithms developed to predict the effect of missense changes on protein structure and function are either unavailable or do not agree on the potential impact of this missense change (SIFT: "Deleterious"; PolyPhen-2: "Probably Damaging"; Align-GVGD: "Class C0"). This variant has not been reported in the literature in individuals affected with HMCN1-related conditions. This variant is not present in population databases (gnomAD no frequency). This sequence change replaces aspartic acid, which is acidic and polar, with glycine, which is neutral and non-polar, at codon 954 of the HMCN1 protein (p.Asp954Gly).

NM_031935.3(HMCN1):c.2861A>G (p.Asp954Gly)

Gene: HMCN1 (hemicentin 1; plus strand). Cytogenetic location: 1q31.1.
Variant type: single nucleotide variant.
Coding change: c.2861A>G on transcript NM_031935.3 (MANE Select); coding-DNA position 2861, A replaced by G.
Protein change: p.Asp954Gly; replaces aspartic acid 954 with glycine.
Molecular consequence: missense variant.
Genome position (GRCh38, 1-based): chr1:185,984,239, A>G. VCF-style: chr1-185984239-A-G. GRCh37 (hg19) VCF-style: chr1-185953371-A-G.
Other names: short protein forms D954G.
Identifiers: ClinVar variation 3022360 (VCV003022360.3), dbSNP rs2527366783, ClinGen allele CA343889020.
Genomic context (GRCh38, chr1:185,984,239, plus strand): 5'-ATCCTTACATCACTGTGCGCAGTGATGGGAGCCTCCATATTGAAAGAGTTCAGCTTCAGG[A>G]TGGTGGTGAATATACTTGTGTGGCCAGTAACGTTGCTGGGACCAATAACAAAACTACCTC-3'
Protein context (NP_114141.2, residues 944-964): SLHIERVQLQ[Asp954Gly]GGEYTCVASN